The following is an entry in ClinVar:

ClinVar aggregate classification (germline): Uncertain significance (1 of 4 stars; one submission).

Conditions:
RASopathy. Also called: Noonan spectrum disorder; rasopathies. Identifiers: Orphanet 536391, MedGen C5555857, MONDO:0021060.

Submission:

Labcorp Genetics (formerly Invitae), Labcorp
Classification: Uncertain significance for RASopathy. Last evaluated: 2024-06-08. Review status: criteria provided, single submitter. Criteria: Invitae Variant Classification Sherloc (09022015). Collection method: clinical testing. Allele origin: germline.
Comment: This sequence change replaces methionine, which is neutral and non-polar, with valine, which is neutral and non-polar, at codon 150 of the MAP2K2 protein (p.Met150Val). This variant is present in population databases (no rsID available, gnomAD 0.0009%). This variant has not been reported in the literature in individuals affected with MAP2K2-related conditions. An algorithm developed to predict the effect of missense changes on protein structure and function (PolyPhen-2) suggests that this variant is likely to be disruptive. In summary, the available evidence is currently insufficient to determine the role of this variant in disease. Therefore, it has been classified as a Variant of Uncertain Significance.

NM_030662.4(MAP2K2):c.448A>G (p.Met150Val)

Gene: MAP2K2 (mitogen-activated protein kinase kinase 2; minus strand). Cytogenetic location: 19p13.3.
Variant type: single nucleotide variant.
Coding change: c.448A>G on transcript NM_030662.4 (MANE Select); coding-DNA position 448, A replaced by G.
Protein change: p.Met150Val; replaces methionine 150 with valine.
Molecular consequence: missense variant.
Genome position (GRCh38, 1-based): chr19:4,110,511, T>C on the plus strand (A>G on the coding strand, the complement: MAP2K2 is on the minus strand). VCF-style: chr19-4110511-T-C. GRCh37 (hg19) VCF-style: chr19-4110509-T-C.
Other names: short protein forms M150V.
Identifiers: ClinVar variation 3720750 (VCV003720750.2).